The following is an entry in ClinVar:

ClinVar aggregate classification (germline): Uncertain significance (1 of 4 stars; one submission).

Submission:

GeneDx
Classification: Uncertain significance. Last evaluated: 2025-05-23. Review status: criteria provided, single submitter. Criteria: GeneDx Variant Classification Process June 2021. Collection method: clinical testing. Allele origin: germline.
Comment: Not observed at significant frequency in large population cohorts (gnomAD); In silico analysis supports that this missense variant has a deleterious effect on protein structure/function; Has not been previously published as pathogenic or benign to our knowledge

NM_001375524.1(TRRAP):c.2447G>A (p.Arg816Gln)

Gene: TRRAP (transformation/transcription domain associated protein; plus strand). Cytogenetic location: 7q22.1.
Variant type: single nucleotide variant.
Coding change: c.2447G>A on transcript NM_001375524.1 (MANE Select); coding-DNA position 2447, G replaced by A.
Protein change: p.Arg816Gln; replaces arginine 816 with glutamine.
Molecular consequence: missense variant.
Genome position (GRCh38, 1-based): chr7:98,917,504, G>A. VCF-style: chr7-98917504-G-A. GRCh37 (hg19) VCF-style: chr7-98515127-G-A.
Other names: c.2447G>A, p.Arg816Gln (NM_001244580.2, NM_003496.4); short protein forms R816Q.
Identifiers: ClinVar variation 3773996 (VCV003773996.2).